The following is an entry in ClinVar:

NM_000283.4(PDE6B):c.1134G>A (p.Trp378Ter)

Gene: PDE6B (phosphodiesterase 6B; plus strand). Cytogenetic location: 4p16.3.
Variant type: single nucleotide variant.
Coding change: c.1134G>A on transcript NM_000283.4 (MANE Select); coding-DNA position 1134, G replaced by A.
Protein change: p.Trp378Ter; replaces tryptophan 378 with a stop codon.
Molecular consequence: nonsense. On other transcripts: 5 prime UTR variant (1).
Genome position (GRCh38, 1-based): chr4:656,900, G>A. VCF-style: chr4-656900-G-A. GRCh37 (hg19) VCF-style: chr4-650689-G-A.
Other names: c.1134G>A, p.Trp378Ter (NM_001145291.2); c.297G>A, p.Trp99Ter (NM_001145292.2, NM_001350154.3, NM_001379246.1 and 1 more transcripts); c.-22G>A (NM_001350155.3); short protein forms W99*, W378*.
Identifiers: ClinVar variation 1370592 (VCV001370592.8), dbSNP rs1360000258, ClinGen allele CA355913069.

ClinVar aggregate classification (germline): Pathogenic (1 of 4 stars; one submission).

Allele frequency attached by ClinVar (database versions not stated): gnomAD 0.00001; TOPMed 0.00001.
gnomAD v4.1: 1 of 1,612,772 alleles (0.000062%); highest among the groups gnomAD compares: Non-Finnish European, 0.000085%; no homozygotes.

Submission:

Labcorp Genetics (formerly Invitae), Labcorp
Classification: Pathogenic. Last evaluated: 2021-02-14. Review status: criteria provided, single submitter. Criteria: Invitae Variant Classification Sherloc (09022015). Collection method: clinical testing. Allele origin: germline.
Comment: This nonsense change has been observed in individual(s) with retinitis pigmentosa (PMID: 31054281). This variant is not present in population databases (ExAC no frequency). This sequence change creates a premature translational stop signal (p.Trp378*) in the PDE6B gene. It is expected to result in an absent or disrupted protein product. Loss-of-function variants in PDE6B are known to be pathogenic (PMID: 8394174, 8595886, 22334370). For these reasons, this variant has been classified as Pathogenic.

Literature cited by the submitters: PubMed 31054281; PubMed 8394174; PubMed 8595886; PubMed 22334370.